The following is an entry in ClinVar:

ClinVar aggregate classification (germline): Uncertain significance (1 of 4 stars; one submission).

Conditions:
Early-infantile DEE. Also called: Early infantile epileptic encephalopathy with suppression bursts; Early infantile epileptic encephalopathy; Ohtahara syndrome. Identifiers: Orphanet 1934, MedGen C0393706, MONDO:0800491.

Submission:

Labcorp Genetics (formerly Invitae), Labcorp
Classification: Uncertain significance for Early-infantile DEE. Last evaluated: 2022-08-23. Review status: criteria provided, single submitter. Criteria: Invitae Variant Classification Sherloc (09022015). Collection method: clinical testing. Allele origin: germline.
Comment: This variant is not present in population databases (gnomAD no frequency). This sequence change replaces leucine, which is neutral and non-polar, with methionine, which is neutral and non-polar, at codon 151 of the SPTAN1 protein (p.Leu151Met). This variant has not been reported in the literature in individuals affected with SPTAN1-related conditions. In summary, the available evidence is currently insufficient to determine the role of this variant in disease. Therefore, it has been classified as a Variant of Uncertain Significance. Algorithms developed to predict the effect of missense changes on protein structure and function are either unavailable or do not agree on the potential impact of this missense change (SIFT: "Deleterious"; PolyPhen-2: "Probably Damaging"; Align-GVGD: "Class C0"). ClinVar contains an entry for this variant (Variation ID: 1475695).

NM_001130438.3(SPTAN1):c.451T>A (p.Leu151Met)

Gene: SPTAN1 (spectrin alpha, non-erythrocytic 1; plus strand). Cytogenetic location: 9q34.11.
Variant type: single nucleotide variant.
Coding change: c.451T>A on transcript NM_001130438.3 (MANE Select); coding-DNA position 451, T replaced by A.
Protein change: p.Leu151Met; replaces leucine 151 with methionine.
Molecular consequence: missense variant.
Genome position (GRCh38, 1-based): chr9:128,574,762, T>A. VCF-style: chr9-128574762-T-A. GRCh37 (hg19) VCF-style: chr9-131337041-T-A.
Other names: c.451T>A, p.Leu151Met (NM_001195532.2, NM_001363759.2, NM_001363765.2 and 5 more transcripts); c.487T>A, p.Leu163Met (NM_001375312.2, NM_001375318.1); short protein forms L151M, L163M.
Identifiers: ClinVar variation 1475695 (VCV001475695.7), dbSNP rs2130966073, ClinGen allele CA375052587.
Genomic context (GRCh38, chr9:128,574,762, plus strand): 5'-TGGGAATTACTTTTGGAGAAGATGCGAGAAAAAGGAATCAAACTGCTGCAGGCCCAGAAG[T>A]TGGTGCAGTACTTACGAGAATGTGAGGACGTGATGGACTGGATCAATGACAAGGCACGTT-3'
Protein context (NP_001123910.1, residues 141-161): KGIKLLQAQK[Leu151Met]VQYLRECEDV